The following is an entry in ClinVar:

NM_001813.3(CENPE):c.4774A>C (p.Lys1592Gln)

Gene: CENPE (centromere protein E; minus strand). Cytogenetic location: 4q24.
Variant type: single nucleotide variant.
Coding change: c.4774A>C on transcript NM_001813.3 (MANE Select); coding-DNA position 4774, A replaced by C.
Protein change: p.Lys1592Gln; replaces lysine 1592 with glutamine.
Molecular consequence: missense variant.
Genome position (GRCh38, 1-based): chr4:103,145,133, T>G on the plus strand (A>C on the coding strand, the complement: CENPE is on the minus strand). VCF-style: chr4-103145133-T-G. GRCh37 (hg19) VCF-style: chr4-104066290-T-G.
Other names: c.4699A>C, p.Lys1567Gln (NM_001286734.2); short protein forms K1567Q, K1592Q.
Identifiers: ClinVar variation 787271 (VCV000787271.12), dbSNP rs61756292, ClinGen allele CA3029761.

ClinVar aggregate classification (germline): Benign/Likely benign. Review status: criteria provided, multiple submitters, no conflicts (2 of 4 stars). 5 submissions from 5 submitters: Benign (3); Likely benign (2). Last evaluated 2026-06-24.

Conditions:
CENPE-related disorder. Also called: CENPE-related condition.

Allele frequency attached by ClinVar (database versions not stated): gnomAD exomes 0.00058 and 0.00113; ExAC 0.00138; gnomAD 0.00393 and 0.00410; TOPMed 0.00397; ESP Exome Variant Server 0.00461; 1000 Genomes Project 0.00499; 1000 Genomes Project 30x 0.00593.
gnomAD v4.1: 1,483 of 1,612,410 alleles (0.092%); highest among the groups gnomAD compares: African/African-American, 1.3%; 6 homozygotes.

Submissions (5):

PreventionGenetics, part of Exact Sciences
Classification: Benign for CENPE-related condition. Last evaluated: 2026-06-24. Review status: criteria provided, single submitter. Criteria: ACMG Guidelines, 2015. Collection method: clinical testing. Allele origin: germline.
Comment: This variant is classified as benign based on ACMG/AMP sequence variant interpretation guidelines (Richards et al. 2015 PMID: 25741868, with internal and published modifications).

Blueprint Genetics
Classification: Likely benign. Last evaluated: 2024-10-21. Review status: criteria provided, single submitter. Criteria: ACMG Guidelines, 2015. Collection method: clinical testing. Allele origin: germline.

GeneDx
Classification: Likely benign. Last evaluated: 2020-12-03. Review status: criteria provided, single submitter. Criteria: GeneDx Variant Classification Process June 2021. Collection method: clinical testing. Allele origin: germline. Affected: yes.

Labcorp Genetics (formerly Invitae), Labcorp
Classification: Benign. Last evaluated: 2019-12-31. Review status: criteria provided, single submitter. Criteria: Invitae Variant Classification Sherloc (09022015). Collection method: clinical testing. Allele origin: germline.

Genetic Services Laboratory, University of Chicago
Classification: Benign. Last evaluated: 2019-06-19. Review status: criteria provided, single submitter. Criteria: ACMG Guidelines, 2015. Collection method: clinical testing. Allele origin: germline. Affected: no.